The following is an entry in ClinVar:

NM_003334.4(UBA1):c.1619A>G (p.Asn540Ser)

Gene: UBA1 (ubiquitin like modifier activating enzyme 1; plus strand). Cytogenetic location: Xp11.3.
Variant type: single nucleotide variant.
Coding change: c.1619A>G on transcript NM_003334.4 (MANE Select); coding-DNA position 1619, A replaced by G.
Protein change: p.Asn540Ser; replaces asparagine 540 with serine.
Molecular consequence: missense variant.
Genome position (GRCh38, 1-based): chrX:47,205,991, A>G. VCF-style: chrX-47205991-A-G. GRCh37 (hg19) VCF-style: chrX-47065390-A-G.
Other names: c.1661A>G, p.Asn554Ser (NM_001440807.1); c.1637A>G, p.Asn546Ser (NM_001440809.1, NM_001440810.1); c.1619A>G, p.Asn540Ser (NM_001440811.1, NM_001440812.1, NM_153280.3); short protein forms N540S, N546S, N554S.
Identifiers: ClinVar variation 5041606 (VCV005041606.1).

ClinVar aggregate classification (germline): Uncertain significance (1 of 4 stars; one submission).

gnomAD v4.1: 2 of 1,204,683 alleles (0.00017%); highest among the groups gnomAD compares: African/African-American, 0.0035%; no homozygotes.

Submission:

CeGaT Center for Human Genetics Tuebingen
Classification: Uncertain significance. Last evaluated: 2026-09-01. Review status: criteria provided, single submitter. Criteria: CeGaT Center For Human Genetics Tuebingen Variant Classification Criteria Version 2. Collection method: clinical testing. Allele origin: germline. Affected: yes. Observed: 1 variant allele.
Comment: UBA1: PP2